The following is an entry in ClinVar:

ClinVar aggregate classification (germline): Uncertain significance (1 of 4 stars; one submission).

Conditions:
T-cell immunodeficiency, congenital alopecia, and nail dystrophy. Also called: Congenital alopecia and nail dystrophy associated with severe functional T-cell immunodeficiency; Pignata Guarino syndrome. Identifiers: Orphanet 169095, MedGen C1866426, MONDO:0011132, OMIM 601705.

Allele frequency attached by ClinVar (database versions not stated): TOPMed below 0.00001; gnomAD 0.00001.
gnomAD v4.1: 11 of 1,614,052 alleles (0.00068%); highest among the groups gnomAD compares: East Asian, 0.022%; no homozygotes.

Submission:

Labcorp Genetics (formerly Invitae), Labcorp
Classification: Uncertain significance for T-cell immunodeficiency, congenital alopecia, and nail dystrophy. Last evaluated: 2025-06-14. Review status: criteria provided, single submitter. Criteria: Invitae Variant Classification Sherloc (09022015). Collection method: clinical testing. Allele origin: germline.
Comment: This sequence change replaces isoleucine, which is neutral and non-polar, with valine, which is neutral and non-polar, at codon 273 of the FOXN1 protein (p.Ile273Val). This variant is present in population databases (no rsID available, gnomAD 0.02%). This variant has not been reported in the literature in individuals affected with FOXN1-related conditions. ClinVar contains an entry for this variant (Variation ID: 1008493). Invitae Evidence Modeling of protein sequence and biophysical properties (such as structural, functional, and spatial information, amino acid conservation, physicochemical variation, residue mobility, and thermodynamic stability) indicates that this missense variant is not expected to disrupt FOXN1 protein function with a negative predictive value of 80%. In summary, the available evidence is currently insufficient to determine the role of this variant in disease. Therefore, it has been classified as a Variant of Uncertain Significance.

NM_001369369.1(FOXN1):c.817A>G (p.Ile273Val)

Gene: FOXN1 (forkhead box N1; plus strand). Cytogenetic location: 17q11.2.
Variant type: single nucleotide variant.
Coding change: c.817A>G on transcript NM_001369369.1 (MANE Select); coding-DNA position 817, A replaced by G.
Protein change: p.Ile273Val; replaces isoleucine 273 with valine.
Molecular consequence: missense variant.
Genome position (GRCh38, 1-based): chr17:28,529,211, A>G. VCF-style: chr17-28529211-A-G. GRCh37 (hg19) VCF-style: chr17-26856229-A-G.
Other names: c.817A>G, p.Ile273Val (NM_003593.3); short protein forms I273V.
Identifiers: ClinVar variation 1008493 (VCV001008493.3), dbSNP rs1445214604, ClinGen allele CA398323334.